The following is an entry in ClinVar:

ClinVar aggregate classification (germline): Pathogenic (1 of 4 stars; one submission).

Allele frequency attached by ClinVar (database versions not stated): gnomAD exomes below 0.00001.

Submission:

Labcorp Genetics (formerly Invitae), Labcorp
Classification: Pathogenic. Last evaluated: 2023-05-10. Review status: criteria provided, single submitter. Criteria: Invitae Variant Classification Sherloc (09022015). Collection method: clinical testing. Allele origin: germline.
Comment: For these reasons, this variant has been classified as Pathogenic. Algorithms developed to predict the effect of sequence changes on RNA splicing suggest that this variant may create or strengthen a splice site. This variant has not been reported in the literature in individuals affected with OTOA-related conditions. This variant is not present in population databases (gnomAD no frequency). This sequence change creates a premature translational stop signal (p.Arg699Glyfs*29) in the OTOA gene. It is expected to result in an absent or disrupted protein product. Loss-of-function variants in OTOA are known to be pathogenic (PMID: 11972037).

Literature cited by the submitters: PubMed 11972037.

NM_144672.4(OTOA):c.2095del (p.Arg699fs)

Gene: OTOA (otoancorin). Cytogenetic location: 16p12.2.
Variant type: Deletion.
Coding change: c.2095del on transcript NM_144672.4 (MANE Select); coding-DNA position 2095, one base deleted.
Protein change: p.Arg699fs; shifts the reading frame from arginine 699.
Molecular consequence: frameshift variant.
Genome position: GRCh38 VCF-style: chr16-21728318-CA-C. GRCh37 (hg19) VCF-style: chr16-21739639-CA-C.
Other names: c.1858del, p.Arg620fs (NM_001161683.2); c.1123del, p.Arg375fs (NM_170664.3); short protein forms R620fs, R699fs, R375fs.
Identifiers: ClinVar variation 2863063 (VCV002863063.3), dbSNP rs2507063974, ClinGen allele CA2632221809.
Genomic context (GRCh38, chr16:21,728,318, plus strand): 5'-TGAGTACACTGTGGACATCATGGGGAACCTGCTGTGTCACTTGCCGGCAGCCATCATCGA[CA>C]GGGGGATCTCCCCCAGGGCTTGGGCGACTGCTCTACACGGCCTCAGAGACTGCCCAGACC-3'